The following is an entry in ClinVar:

ClinVar aggregate classification (germline): Likely benign (0 of 4 stars; one submission).

Conditions:
SEMA3G-related disorder. Also called: SEMA3G-related condition.

Allele frequency attached by ClinVar (database versions not stated): gnomAD exomes 0.00001; gnomAD 0.00003; TOPMed 0.00006.
gnomAD v4.1: 8 of 1,613,068 alleles (0.0005%); highest among the groups gnomAD compares: Admixed American, 0.012%; no homozygotes.

Submission:

PreventionGenetics, part of Exact Sciences
Classification: Likely benign for SEMA3G-related condition. Last evaluated: 2022-01-04. Review status: no assertion criteria provided. Collection method: clinical testing. Allele origin: germline.
Comment: This variant is classified as likely benign based on ACMG/AMP sequence variant interpretation guidelines (Richards et al. 2015 PMID: 25741868, with internal and published modifications).

NM_020163.3(SEMA3G):c.1653C>T (p.Arg551=)

Gene: SEMA3G (semaphorin 3G; minus strand). Cytogenetic location: 3p21.1.
Variant type: single nucleotide variant.
Coding change: c.1653C>T on transcript NM_020163.3 (MANE Select); coding-DNA position 1653, C replaced by T.
Protein change: p.Arg551=; no amino-acid change (arginine 551 retained).
Molecular consequence: synonymous variant.
Genome position (GRCh38, 1-based): chr3:52,438,056, G>A on the plus strand (C>T on the coding strand, the complement: SEMA3G is on the minus strand). VCF-style: chr3-52438056-G-A. GRCh37 (hg19) VCF-style: chr3-52472072-G-A.
Identifiers: ClinVar variation 3029248 (VCV003029248.2), dbSNP rs990102180, ClinGen allele CA74764854.